The following is an entry in ClinVar:

NM_001182.5(ALDH7A1):c.1240G>A (p.Val414Met)

Gene: ALDH7A1 (aldehyde dehydrogenase 7 family member A1; minus strand). Cytogenetic location: 5q23.2.
Variant type: single nucleotide variant.
Coding change: c.1240G>A on transcript NM_001182.5 (MANE Select); coding-DNA position 1240, G replaced by A.
Protein change: p.Val414Met; replaces valine 414 with methionine.
Molecular consequence: missense variant.
Genome position (GRCh38, 1-based): chr5:126,552,098, C>T on the plus strand (G>A on the coding strand, the complement: ALDH7A1 is on the minus strand). VCF-style: chr5-126552098-C-T. GRCh37 (hg19) VCF-style: chr5-125887790-C-T.
Other names: c.1156G>A, p.Val386Met (NM_001201377.2); c.1048G>A, p.Val350Met (NM_001202404.2); short protein forms V414M, V350M, V386M.
Identifiers: ClinVar variation 856150 (VCV000856150.8), dbSNP rs1750021508, ClinGen allele CA360723249.

ClinVar aggregate classification (germline): Uncertain significance (1 of 4 stars; one submission).

Conditions:
Pyridoxine-dependent epilepsy (EPEO4). Also called: Pyridoxine-Dependent Epilepsy - ALDH7A1; EPILEPSY, EARLY-ONSET, 4, VITAMIN B6-DEPENDENT; PYRIDOXINE DEPENDENCY WITH SEIZURES; Pyridoxine-Dependent Seizures. Identifiers: Orphanet 3006, MedGen C1849508, MONDO:0009945, OMIM 266100. Disease mechanism: loss of function.

Allele frequency attached by ClinVar (database versions not stated): TOPMed 0.00001.

Submission:

Labcorp Genetics (formerly Invitae), Labcorp
Classification: Uncertain significance for Pyridoxine-dependent epilepsy. Last evaluated: 2025-01-15. Review status: criteria provided, single submitter. Criteria: Invitae Variant Classification Sherloc (09022015). Collection method: clinical testing. Allele origin: germline.
Comment: This sequence change replaces valine, which is neutral and non-polar, with methionine, which is neutral and non-polar, at codon 414 of the ALDH7A1 protein (p.Val414Met). This variant is not present in population databases (gnomAD no frequency). This variant has not been reported in the literature in individuals affected with ALDH7A1-related conditions. ClinVar contains an entry for this variant (Variation ID: 856150). Invitae Evidence Modeling of protein sequence and biophysical properties (such as structural, functional, and spatial information, amino acid conservation, physicochemical variation, residue mobility, and thermodynamic stability) has been performed for this missense variant. However, the output from this modeling did not meet the statistical confidence thresholds required to predict the impact of this variant on ALDH7A1 protein function. In summary, the available evidence is currently insufficient to determine the role of this variant in disease. Therefore, it has been classified as a Variant of Uncertain Significance.